The following is an entry in ClinVar:

NM_000539.3(RHO):c.908C>T (p.Pro303Leu)

Gene: RHO (rhodopsin; plus strand). Cytogenetic location: 3q22.1.
Variant type: single nucleotide variant.
Coding change: c.908C>T on transcript NM_000539.3 (MANE Select); coding-DNA position 908, C replaced by T.
Protein change: p.Pro303Leu; replaces proline 303 with leucine.
Molecular consequence: missense variant.
Genome position (GRCh38, 1-based): chr3:129,532,744, C>T. VCF-style: chr3-129532744-C-T. GRCh37 (hg19) VCF-style: chr3-129251587-C-T.
Other names: short protein forms P303L.
Identifiers: ClinVar variation 1349242 (VCV001349242.8), dbSNP rs1578281100, ClinGen allele CA354470934.

ClinVar aggregate classification (germline): Uncertain significance (1 of 4 stars; one submission).

Submission:

Labcorp Genetics (formerly Invitae), Labcorp
Classification: Uncertain significance. Last evaluated: 2023-08-04. Review status: criteria provided, single submitter. Criteria: Invitae Variant Classification Sherloc (09022015). Collection method: clinical testing. Allele origin: germline.
Comment: In summary, the available evidence is currently insufficient to determine the role of this variant in disease. Therefore, it has been classified as a Variant of Uncertain Significance. Advanced modeling of protein sequence and biophysical properties (such as structural, functional, and spatial information, amino acid conservation, physicochemical variation, residue mobility, and thermodynamic stability) performed at Invitae indicates that this missense variant is expected to disrupt RHO protein function. ClinVar contains an entry for this variant (Variation ID: 1349242). This variant has not been reported in the literature in individuals affected with RHO-related conditions. This variant is not present in population databases (gnomAD no frequency). This sequence change replaces proline, which is neutral and non-polar, with leucine, which is neutral and non-polar, at codon 303 of the RHO protein (p.Pro303Leu).